The following is an entry in ClinVar:

ClinVar aggregate classification (germline): Likely benign (0 of 4 stars; one submission).

Conditions:
LPA-related disorder. Also called: LPA-related condition.

Allele frequency attached by ClinVar (database versions not stated): 1000 Genomes Project 0.00060; 1000 Genomes Project 30x 0.00094; ESP Exome Variant Server 0.00131.
gnomAD v4.1: 3,419 of 1,613,650 alleles (0.21%); highest among the groups gnomAD compares: Non-Finnish European, 0.25%; 10 homozygotes.

Submission:

PreventionGenetics, part of Exact Sciences
Classification: Likely benign for LPA-related condition. Last evaluated: 2022-10-14. Review status: no assertion criteria provided. Collection method: clinical testing. Allele origin: germline.
Comment: This variant is classified as likely benign based on ACMG/AMP sequence variant interpretation guidelines (Richards et al. 2015 PMID: 25741868, with internal and published modifications).

NM_005577.4(LPA):c.4487G>T (p.Ser1496Ile)

Gene: LPA (lipoprotein(a); minus strand). Cytogenetic location: 6q25.3.
Variant type: single nucleotide variant.
Coding change: c.4487G>T on transcript NM_005577.4 (MANE Select); coding-DNA position 4487, G replaced by T.
Protein change: p.Ser1496Ile; replaces serine 1496 with isoleucine.
Molecular consequence: missense variant.
Genome position (GRCh38, 1-based): chr6:160,577,280, C>A on the plus strand (G>T on the coding strand, the complement: LPA is on the minus strand). VCF-style: chr6-160577280-C-A. GRCh37 (hg19) VCF-style: chr6-160998312-C-A.
Other names: short protein forms S1496I.
Identifiers: ClinVar variation 3041243 (VCV003041243.2), dbSNP rs201290459, ClinGen allele CA4086043.